The following is an entry in ClinVar:

NM_001164458.2(ACTR3C):c.361C>T (p.Gln121Ter)

Gene: ACTR3C (actin related protein 3C; minus strand). Cytogenetic location: 7q36.1.
Variant type: single nucleotide variant.
Coding change: c.361C>T on transcript NM_001164458.2 (MANE Select); coding-DNA position 361, C replaced by T.
Protein change: p.Gln121Ter; replaces glutamine 121 with a stop codon.
Molecular consequence: nonsense. On other transcripts: 5 prime UTR variant (1), non-coding transcript variant (2).
Genome position (GRCh38, 1-based): chr7:150,286,477, G>A on the plus strand (C>T on the coding strand, the complement: ACTR3C is on the minus strand). VCF-style: chr7-150286477-G-A. GRCh37 (hg19) VCF-style: chr7-149983566-G-A.
Other names: c.361C>T, p.Gln121Ter (NM_001164459.2); c.-181C>T (NM_001351028.2); short protein forms Q121*.
Identifiers: ClinVar variation 402338 (VCV000402338.5), dbSNP rs78661149, ClinGen allele CA4561665.
Genomic context (GRCh38, chr7:150,286,477, plus strand): 5'-CTATAACAAACTTCTTCTGGTTGATCGCATTGATACCCGTGTACTGTTTGATCCACTTCT[G>A]GGGATCCACATCATACTTGGCAAATTCCTTGACTATATCGGGGCAAATGTAACAGTATTT-3'

ClinVar aggregate classification (germline): Benign. Review status: criteria provided, multiple submitters, no conflicts (2 of 4 stars). 2 submissions from 2 submitters: Benign (2). Last evaluated 2016-03-28.

Allele frequency attached by ClinVar (database versions not stated): 1000 Genomes Project 30x 0.03061; 1000 Genomes Project 0.03275; gnomAD 0.04153 and 0.04208; gnomAD exomes 0.04951; ExAC 0.05572.

Submissions (2):

Laboratory for Molecular Medicine, Mass General Brigham Personalized Medicine
Classification: Benign. Last evaluated: 2016-03-28. Review status: criteria provided, single submitter. Criteria: LMM Criteria. Collection method: clinical testing. Allele origin: germline.
Comment: Variant identified in a genome or exome case(s) and assessed due to predicted null impact of the variant or pathogenic assertions in the literature or databases. Disclaimer: This variant has not undergone full assessment. The following are preliminary notes: ExAC frequency

Breakthrough Genomics
Classification: Benign. Review status: criteria provided, single submitter. Criteria: ACMG Guidelines, 2015. Collection method: not provided. Allele origin: germline. Inheritance: Unknown mechanism. Affected: yes.